The following is an entry in ClinVar:

NM_001127208.3(TET2):c.86C>G (p.Pro29Arg)

Genes: TET2 (tet methylcytosine dioxygenase 2; plus strand), TET2-AS1 (TET2 antisense RNA 1; minus strand). Cytogenetic location: 4q24.
Variant type: single nucleotide variant.
Coding change: c.86C>G on transcript NM_001127208.3 (MANE Select); coding-DNA position 86, C replaced by G.
Protein change: p.Pro29Arg; replaces proline 29 with arginine.
Molecular consequence: missense variant.
Genome position (GRCh38, 1-based): chr4:105,234,028, C>G. VCF-style: chr4-105234028-C-G. GRCh37 (hg19) VCF-style: chr4-106155185-C-G.
Other names: c.86C>G, p.Pro29Arg (NM_017628.4); c.86C>G (NM_001127208.2); short protein forms P29R.
Identifiers: ClinVar variation 135316 (VCV000135316.11), dbSNP rs12498609, ClinGen allele CA162345.

ClinVar aggregate classification (germline): Benign. Review status: criteria provided, multiple submitters, no conflicts (2 of 4 stars). 5 submissions from 5 submitters: Benign (4). 1 of the submissions does not count toward it. Last evaluated 2026-02-04.

Allele frequency attached by ClinVar (database versions not stated): ESP Exome Variant Server 0.02038; 1000 Genomes Project 30x 0.08729; 1000 Genomes Project 0.09245; TOPMed 0.04156; ExAC 0.06057; gnomAD 0.03467 and 0.03998.
gnomAD v4.1: 51,526 of 1,613,852 alleles (3.2%); highest among the groups gnomAD compares: East Asian, 20%; 2,390 homozygotes.

Submissions (5):

Labcorp Genetics (formerly Invitae), Labcorp
Classification: Benign. Last evaluated: 2026-02-04. Review status: criteria provided, single submitter. Criteria: Invitae Variant Classification Sherloc (09022015). Collection method: clinical testing. Allele origin: germline.

ARUP Laboratories, Molecular Genetics and Genomics, ARUP Laboratories
Classification: Benign. Last evaluated: 2025-07-03. Review status: criteria provided, single submitter. Criteria: ARUP Molecular Germline Variant Investigation Process 2024. Collection method: clinical testing. Allele origin: germline.

Unidad de Genómica Garrahan, Hospital de Pediatría Garrahan
Classification: Benign. Last evaluated: 2024-01-24. Review status: criteria provided, single submitter. Criteria: ACMG Guidelines, 2015. Collection method: clinical testing. Allele origin: germline. Affected: no. Observed: 22 variant alleles.
Comment: This variant is classified as Benign based on local population frequency. This variant was detected in 23% of patients studied by a panel of primary immunodeficiencies. Number of patients: 22. Only high quality variants are reported.

Mayo Clinic Laboratories, Mayo Clinic
Classification: Benign. Last evaluated: 2022-09-06. Review status: criteria provided, single submitter. Criteria: ACMG Guidelines, 2015. Collection method: clinical testing. Allele origin: germline. Observed: 22 variant alleles.

ITMI
No classification provided. Condition: AllHighlyPenetrant. Last evaluated: 2013-09-19. Review status: no classification provided. Collection method: reference population. Allele origin: germline. Not counted in ClinVar's aggregate classification.
Comment: Please see associated publication for description of ethnicities

Literature cited by the submitters: PubMed 24728327 (cited by ITMI).